The following is an entry in ClinVar:

NM_001276345.2(TNNT2):c.497G>A (p.Arg166Lys)

Gene: TNNT2 (troponin T2, cardiac type; minus strand). Cytogenetic location: 1q32.1.
Variant type: single nucleotide variant.
Coding change: c.497G>A on transcript NM_001276345.2 (MANE Select); coding-DNA position 497, G replaced by A.
Protein change: p.Arg166Lys; replaces arginine 166 with lysine.
Molecular consequence: missense variant.
Genome position (GRCh38, 1-based): chr1:201,363,399, C>T on the plus strand (G>A on the coding strand, the complement: TNNT2 is on the minus strand). VCF-style: chr1-201363399-C-T. GRCh37 (hg19) VCF-style: chr1-201332527-C-T.
Other names: c.467G>A (NM_001001430.1); c.497G>A, p.Arg166Lys (NM_000364.4, NM_001406723.1); c.467G>A, p.Arg156Lys (NM_001001430.3, NM_001001431.3, NM_001276347.2 and 3 more transcripts); c.452G>A, p.Arg151Lys (NM_001001432.3, NM_001406728.1); c.377G>A, p.Arg126Lys (NM_001276346.2); c.464G>A, p.Arg155Lys (NM_001406725.1); short protein forms R166K, R156K, R126K, R151K, R155K.
Identifiers: ClinVar variation 2174696 (VCV002174696.5), dbSNP rs777763436, ClinGen allele CA088612.

ClinVar aggregate classification (germline): Uncertain significance. Review status: criteria provided, multiple submitters, no conflicts (2 of 4 stars). 2 submissions from 2 submitters: Uncertain significance (2). Last evaluated 2025-04-14.

Conditions:
Cardiovascular phenotype. Identifiers: MedGen CN230736.
Hypertrophic cardiomyopathy 2. Also called: TNNT2-Related Familial Hypertrophic Cardiomyopathy. Identifiers: MedGen C1861864, MONDO:0007266, OMIM 115195.
Cardiomyopathy, familial restrictive, 3. Identifiers: Orphanet 75249, MedGen C2676271, MONDO:0012900, OMIM 612422.
Dilated cardiomyopathy 1D. Identifiers: Orphanet 154, Orphanet 54260, MedGen C1832243, MONDO:0011095, OMIM 601494.

Allele frequency attached by ClinVar (database versions not stated): gnomAD exomes below 0.00001; ExAC 0.00001.
gnomAD v4.1: 4 of 1,614,138 alleles (0.00025%); highest among the groups gnomAD compares: South Asian, 0.0044%; no homozygotes.

Submissions (2):

Ambry Genetics
Classification: Uncertain significance for Cardiovascular phenotype. Last evaluated: 2025-04-14. Review status: criteria provided, single submitter. Criteria: Ambry Variant Classification Scheme 2023. Collection method: clinical testing. Allele origin: germline.
Comment: The p.R156K variant (also known as c.467G>A), located in coding exon 10 of the TNNT2 gene, results from a G to A substitution at nucleotide position 467. The arginine at codon 156 is replaced by lysine, an amino acid with highly similar properties. This amino acid position is conserved. In addition, the in silico prediction for this alteration is inconclusive. Based on the available evidence, the clinical significance of this variant remains unclear.

Labcorp Genetics (formerly Invitae), Labcorp
Classification: Uncertain significance for Cardiomyopathy, familial restrictive, 3; Hypertrophic cardiomyopathy 2; Dilated cardiomyopathy 1D. Last evaluated: 2022-07-30. Review status: criteria provided, single submitter. Criteria: Invitae Variant Classification Sherloc (09022015). Collection method: clinical testing. Allele origin: germline.
Comment: This sequence change replaces arginine, which is basic and polar, with lysine, which is basic and polar, at codon 156 of the TNNT2 protein (p.Arg156Lys). This variant is present in population databases (rs777763436, gnomAD 0.003%). This variant has not been reported in the literature in individuals affected with TNNT2-related conditions. Algorithms developed to predict the effect of missense changes on protein structure and function output the following: SIFT: "Tolerated"; PolyPhen-2: "Benign"; Align-GVGD: "Class C0". The lysine amino acid residue is found in multiple mammalian species, which suggests that this missense change does not adversely affect protein function. Algorithms developed to predict the effect of sequence changes on RNA splicing suggest that this variant may disrupt the consensus splice site. In summary, the available evidence is currently insufficient to determine the role of this variant in disease. Therefore, it has been classified as a Variant of Uncertain Significance.